The following is an entry in ClinVar:

ClinVar aggregate classification (germline): Uncertain significance. Review status: criteria provided, multiple submitters, no conflicts (2 of 4 stars). 3 submissions from 3 submitters: Uncertain significance (3). Last evaluated 2023-08-28.

Conditions:
Inborn genetic diseases. Identifiers: MedGen C0950123, MeSH D030342.
Beck-Fahrner syndrome (BEFAHRS). Identifiers: Orphanet 684216, MedGen C5394097, MONDO:0032922, OMIM 618798.

Allele frequency attached by ClinVar (database versions not stated): ESP Exome Variant Server 0.00008; ExAC 0.00010; gnomAD 0.00013; TOPMed 0.00019; gnomAD exomes 0.00027.
gnomAD v4.1: 406 of 1,612,386 alleles (0.025%); highest among the groups gnomAD compares: Non-Finnish European, 0.032%; 1 homozygote.

Submissions (3):

Department of Pathology and Laboratory Medicine, Sinai Health System
Classification: Uncertain significance for Beck-Fahrner syndrome. Last evaluated: 2023-08-28. Review status: criteria provided, single submitter. Criteria: ACMG Guidelines, 2015. Collection method: research. Allele origin: germline.

Pittsburgh Clinical Genomics Laboratory, University of Pittsburgh Medical Center
Classification: Uncertain significance for Beck-Fahrner syndrome. Last evaluated: 2022-05-25. Review status: criteria provided, single submitter. Criteria: ACMG Guidelines, 2015. Collection method: clinical testing. Allele origin: germline. Inheritance: Autosomal unknown. Affected: yes.
Comment: This sequence variant is a single nucleotide substitution (T>C) at position 4276 of the coding sequence of the TET3 gene that results in a serine to proline amino acid change at residue 1426 of the TET3 protein. The Ser1426 residue falls in the catalytic domain which plays a critical function in TET3's role in D methylation (PMID: 31928709). This variant is absent from online datasets of clinically annotated variants (ClinVar) and has not been observed in the published literature in individuals with TET3-related disorders, to our knowledge. This variant is present in control population datasets (gnomAD database, 35 of 277,874 alleles, 0.01%). Multiple bioinformatic tools predict that this serine to proline amino acid change would be neutral, though the Ser1426 residue is strongly conserved across the vertebrate species examined. In addition, substitutions at conserved residues within the TET3 catalytic domain have been associated with impaired TET3 function (PMID: 31928709). At this time, there is insufficient evidence to determine if this variant is pathogenic or benign. Therefore, we consider this a variant of uncertain significance. ACMG Criteria: BP4, PM1

Ambry Genetics
Classification: Uncertain significance for Inborn genetic diseases. Last evaluated: 2021-07-26. Review status: criteria provided, single submitter. Criteria: Ambry Variant Classification Scheme 2023. Collection method: clinical testing. Allele origin: germline.

Literature cited by the submitters: PubMed 31928709 (cited by Pittsburgh Clinical Genomics Laboratory, University of Pittsburgh Medical Center).

NM_001287491.2(TET3):c.4276T>C (p.Ser1426Pro)

Gene: TET3 (tet methylcytosine dioxygenase 3; plus strand). Cytogenetic location: 2p13.1.
Variant type: single nucleotide variant.
Coding change: c.4276T>C on transcript NM_001287491.2 (MANE Select); coding-DNA position 4276, T replaced by C.
Protein change: p.Ser1426Pro; replaces serine 1426 with proline.
Molecular consequence: missense variant.
Genome position (GRCh38, 1-based): chr2:74,101,064, T>C. VCF-style: chr2-74101064-T-C. GRCh37 (hg19) VCF-style: chr2-74328191-T-C.
Other names: c.3997T>C, p.Ser1333Pro (NM_001366022.1); c.3871T>C, p.Ser1291Pro (NM_144993.1); short protein forms S1426P, S1291P, S1333P.
Identifiers: ClinVar variation 2364940 (VCV002364940.4), dbSNP rs376602456, ClinGen allele CA1719193.